The following is an entry in ClinVar:

NM_006231.4(POLE):c.5992A>G (p.Met1998Val)

Gene: POLE (DNA polymerase epsilon, catalytic subunit; minus strand). Cytogenetic location: 12q24.33.
Variant type: single nucleotide variant.
Coding change: c.5992A>G on transcript NM_006231.4 (MANE Select); coding-DNA position 5992, A replaced by G.
Protein change: p.Met1998Val; replaces methionine 1998 with valine.
Molecular consequence: missense variant.
Genome position (GRCh38, 1-based): chr12:132,634,198, T>C on the plus strand (A>G on the coding strand, the complement: POLE is on the minus strand). VCF-style: chr12-132634198-T-C. GRCh37 (hg19) VCF-style: chr12-133210784-T-C.
Other names: c.5992A>G (NM_006231.2); short protein forms M1998V.
Identifiers: ClinVar variation 1059591 (VCV001059591.11), dbSNP rs2138473140, ClinGen allele CA387371424.

ClinVar aggregate classification (germline): Uncertain significance. Review status: criteria provided, multiple submitters, no conflicts (2 of 4 stars). 3 submissions from 3 submitters: Uncertain significance (3). Last evaluated 2026-01-06.

Conditions:
Hereditary cancer-predisposing syndrome. Also called: Hereditary Cancer Syndrome; Tumor predisposition; Hereditary neoplastic syndrome; Neoplastic Syndromes, Hereditary. Identifiers: Orphanet 140162, MedGen C0027672, MeSH D009386, MONDO:0015356.

Allele frequency attached by ClinVar (database versions not stated): gnomAD exomes below 0.00001.

Submissions (3):

Ambry Genetics
Classification: Uncertain significance for Hereditary cancer-predisposing syndrome. Last evaluated: 2026-01-06. Review status: criteria provided, single submitter. Criteria: Ambry Variant Classification Scheme 2023. Collection method: clinical testing. Allele origin: germline.
Comment: The p.M1998V variant (also known as c.5992A>G), located in coding exon 43 of the POLE gene, results from an A to G substitution at nucleotide position 5992. The methionine at codon 1998 is replaced by valine, an amino acid with highly similar properties. This nucleotide position is highly conserved in available vertebrate species. This amino acid position is highly conserved in available vertebrate species. In addition, the in silico prediction for this alteration is inconclusive. Based on the available evidence, the clinical significance of this variant remains unclear.

Blueprint Genetics
Classification: Uncertain significance. Last evaluated: 2024-04-30. Review status: criteria provided, single submitter. Criteria: ACMG Guidelines, 2015. Collection method: clinical testing. Allele origin: germline.

Labcorp Genetics (formerly Invitae), Labcorp
Classification: Uncertain significance. Last evaluated: 2020-03-04. Review status: criteria provided, single submitter. Criteria: Invitae Variant Classification Sherloc (09022015). Collection method: clinical testing. Allele origin: germline.
Comment: This variant has not been reported in the literature in individuals with POLE-related conditions. This variant is not present in population databases (ExAC no frequency). This sequence change replaces methionine with valine at codon 1998 of the POLE protein (p.Met1998Val). The methionine residue is moderately conserved and there is a small physicochemical difference between methionine and valine. Algorithms developed to predict the effect of missense changes on protein structure and function (SIFT, PolyPhen-2, Align-GVGD) all suggest that this variant is likely to be tolerated, but these predictions have not been confirmed by published functional studies and their clinical significance is uncertain. In summary, the available evidence is currently insufficient to determine the role of this variant in disease. Therefore, it has been classified as a Variant of Uncertain Significance.